The following is an entry in ClinVar:

ClinVar aggregate classification (germline): Uncertain significance (1 of 4 stars; one submission).

Allele frequency attached by ClinVar (database versions not stated): TOPMed below 0.00001.

Submission:

Labcorp Genetics (formerly Invitae), Labcorp
Classification: Uncertain significance. Last evaluated: 2022-03-02. Review status: criteria provided, single submitter. Criteria: Invitae Variant Classification Sherloc (09022015). Collection method: clinical testing. Allele origin: germline.
Comment: In summary, the available evidence is currently insufficient to determine the role of this variant in disease. Therefore, it has been classified as a Variant of Uncertain Significance. Algorithms developed to predict the effect of missense changes on protein structure and function are either unavailable or do not agree on the potential impact of this missense change (SIFT: "Deleterious"; PolyPhen-2: "Benign"; Align-GVGD: "Class C65"). This variant has not been reported in the literature in individuals affected with IFT74-related conditions. This variant is not present in population databases (gnomAD no frequency). This sequence change replaces glutamic acid, which is acidic and polar, with glycine, which is neutral and non-polar, at codon 142 of the IFT74 protein (p.Glu142Gly).

NM_025103.4(IFT74):c.425A>G (p.Glu142Gly)

Gene: IFT74 (intraflagellar transport 74; plus strand). Cytogenetic location: 9p21.2.
Variant type: single nucleotide variant.
Coding change: c.425A>G on transcript NM_025103.4 (MANE Select); coding-DNA position 425, A replaced by G.
Protein change: p.Glu142Gly; replaces glutamic acid 142 with glycine.
Molecular consequence: missense variant.
Genome position (GRCh38, 1-based): chr9:26,984,519, A>G. VCF-style: chr9-26984519-A-G. GRCh37 (hg19) VCF-style: chr9-26984517-A-G.
Other names: c.425A>G, p.Glu142Gly (NM_001099222.3, NM_001099223.3, NM_001099224.3 and 1 more transcripts); short protein forms E142G.
Identifiers: ClinVar variation 1365316 (VCV001365316.6), dbSNP rs1827549533, ClinGen allele CA373127747.